The following is an entry in ClinVar:

NM_000209.4(PDX1):c.-50CTCCCGG[5]

Gene: PDX1 (pancreatic and duodenal homeobox 1; plus strand). Cytogenetic location: 13q12.2.
Variant type: Microsatellite.
Coding change: c.-50CTCCCGG[5] on transcript NM_000209.4 (MANE Select); five copies in a row of the 7-base unit CTCCCGG starting at c.-50; the reference has four copies in a row; one copy, 7 bases duplicated.
Molecular consequence: 5 prime UTR variant.
Genome position (GRCh38, 1-based): chr13:27,920,110-27,920,116, CTCCCGG duplicated; duplicating any 7 consecutive bases within chr13:27,920,089-27,920,116 gives the same sequence; the position shown is the placement nearest the transcript's 3' end. VCF-style (leftmost placement, unchanged base first): chr13-27920088-A-ACTCCCGG. GRCh37 (hg19) VCF-style: chr13-28494225-A-ACTCCCGG.
Identifiers: ClinVar variation 36403 (VCV000036403.3), dbSNP rs193922352, ClinGen allele CA325743.

ClinVar aggregate classification (germline): Uncertain significance (1 of 4 stars; one submission).

Conditions:
Maturity-onset diabetes of the young type 4 (MODY4). Also called: Maturity-onset diabetes of the young, type IV; MODY, type IV. Identifiers: Orphanet 552, MedGen C1833382, MONDO:0011667, OMIM 606392.

Submission:

Women's Health and Genetics/Laboratory Corporation of America, LabCorp
Classification: Uncertain significance for MODY4. Last evaluated: 2011-08-18. Review status: criteria provided, single submitter. Criteria: LabCorp Variant Classification Summary - May 2015. Collection method: curation, clinical testing. Allele origin: germline. Inheritance: autosomal unknown. Affected: yes.
ClinVar note: Converted during submission from uncertain to Uncertain significance.